The following is an entry in ClinVar:

NM_000138.5(FBN1):c.3918C>G (p.His1306Gln)

Gene: FBN1 (fibrillin 1; minus strand). Cytogenetic location: 15q21.1.
Variant type: single nucleotide variant.
Coding change: c.3918C>G on transcript NM_000138.5 (MANE Select); coding-DNA position 3918, C replaced by G.
Protein change: p.His1306Gln; replaces histidine 1306 with glutamine.
Molecular consequence: missense variant.
Genome position (GRCh38, 1-based): chr15:48,481,701, G>C on the plus strand (C>G on the coding strand, the complement: FBN1 is on the minus strand). VCF-style: chr15-48481701-G-C. GRCh37 (hg19) VCF-style: chr15-48773898-G-C.
Other names: c.3918C>G, p.His1306Gln (NM_001406716.1); short protein forms H1306Q.
Identifiers: ClinVar variation 3894245 (VCV003894245.2).
Genomic context (GRCh38, chr15:48,481,701, plus strand): 5'-TTGAACAAACACACCTGTACAGCCAGTTTTTCCTTTTTTGCCGGAGTAGCCCATATCACA[G>C]TGGCAGATAAATGAGCCTTTCGTGTTTTCACAGGTCCCACTTAGGCAGATATTTGGATTC-3'
Protein context (NP_000129.3, residues 1296-1316): CENTKGSFIC[His1306Gln]CDMGYSGKKG

ClinVar aggregate classification (germline): Uncertain significance. Review status: criteria provided, multiple submitters, no conflicts (2 of 4 stars). 2 submissions from 2 submitters: Uncertain significance (2). Last evaluated 2025-03-04.

Conditions:
Marfan syndrome (MFS). Also called: MARFAN SYNDROME, TYPE I; Marfan syndrome type 1; Marfan's syndrome; Marfan syndrome, classic; FBN1-Related Marfan Syndrome. Identifiers: Orphanet 284963, Orphanet 558, MedGen C0024796, MONDO:0007947, OMIM 154700.
Familial thoracic aortic aneurysm and aortic dissection (TAAD). Also called: Thoracic aortic aneurysms and dissections. Identifiers: Orphanet 91387, MedGen C4707243, MONDO:0019625.

Submissions (2):

Labcorp Genetics (formerly Invitae), Labcorp
Classification: Uncertain significance for Marfan syndrome; Familial thoracic aortic aneurysm and aortic dissection. Last evaluated: 2025-03-04. Review status: criteria provided, single submitter. Criteria: Invitae Variant Classification Sherloc (09022015). Collection method: clinical testing. Allele origin: germline.
Comment: This sequence change replaces histidine, which is basic and polar, with glutamine, which is neutral and polar, at codon 1306 of the FBN1 protein (p.His1306Gln). This variant is not present in population databases (gnomAD no frequency). This variant has not been reported in the literature in individuals affected with FBN1-related conditions. Invitae Evidence Modeling of protein sequence and biophysical properties (such as structural, functional, and spatial information, amino acid conservation, physicochemical variation, residue mobility, and thermodynamic stability) has been performed for this missense variant. However, the output from this modeling did not meet the statistical confidence thresholds required to predict the impact of this variant on FBN1 protein function. In summary, the available evidence is currently insufficient to determine the role of this variant in disease. Therefore, it has been classified as a Variant of Uncertain Significance.

Color Diagnostics, LLC DBA Color Health
Classification: Uncertain significance for Familial thoracic aortic aneurysm and aortic dissection. Last evaluated: 2025-02-23. Review status: criteria provided, single submitter. Criteria: ACMG Guidelines, 2015. Collection method: clinical testing. Allele origin: germline.
Comment: This missense variant replaces histidine with glutamine at codon 1306 of the FBN1 protein. Computational prediction is inconclusive regarding the impact of this variant on protein structure and function (internally defined REVEL score threshold 0.5 < inconclusive < 0.7, PMID: 27666373). To our knowledge, functional studies have not been reported for this variant. This variant has not been reported in individuals affected with FBN1-related disorders in the literature. This variant has not been identified in the general population by the Genome Aggregation Database (gnomAD). The available evidence is insufficient to determine the role of this variant in disease conclusively. Therefore, this variant is classified as a Variant of Uncertain Significance.